The following is an entry in ClinVar:

NM_006415.4(SPTLC1):c.*1170T>C

Gene: SPTLC1 (serine palmitoyltransferase long chain base subunit 1; minus strand). Cytogenetic location: 9q22.31.
Variant type: single nucleotide variant.
Coding change: c.*1170T>C on transcript NM_006415.4 (MANE Select); 1170 bases downstream of the stop codon, T replaced by C.
Molecular consequence: 3 prime UTR variant.
Genome position (GRCh38, 1-based): chr9:92,031,295, A>G on the plus strand (T>C on the coding strand, the complement: SPTLC1 is on the minus strand). VCF-style: chr9-92031295-A-G. GRCh37 (hg19) VCF-style: chr9-94793577-A-G.
Other names: c.*1018T>C (NM_001281303.2); c.*1170T>C (NM_001368272.1, NM_001368273.1).
Identifiers: ClinVar variation 367528 (VCV000367528.5), dbSNP rs112076327, ClinGen allele CA10634478.

ClinVar aggregate classification (germline): Benign (1 of 4 stars; one submission).

Conditions:
Neuropathy, hereditary sensory and autonomic, type 1A (HSAN1A). Also called: NEUROPATHY, HEREDITARY SENSORY AND AUTONOMIC, TYPE IA; HSAN IA; HSN IA; NEUROPATHY, HEREDITARY SENSORY RADICULAR, AUTOSOMAL DOMINANT, TYPE 1A; SPTLC1-Related Hereditary Sensory Neuropathy. Identifiers: MedGen C5235211, MONDO:0008086, OMIM 162400.

Allele frequency attached by ClinVar (database versions not stated): gnomAD 0.00627 and 0.00675; 1000 Genomes Project 30x 0.00703; TOPMed 0.00746; 1000 Genomes Project 0.00759.

Submission:

Illumina Laboratory Services, Illumina
Classification: Benign for Neuropathy, hereditary sensory and autonomic, type 1A. Last evaluated: 2018-01-13. Review status: criteria provided, single submitter. Criteria: ICSL Variant Classification Criteria 13 December 2019. Collection method: clinical testing. Allele origin: germline.
Comment: This variant was observed in the ICSL laboratory as part of a predisposition screen in an ostensibly healthy population. It had not been previously curated by ICSL or reported in the Human Gene Mutation Database (HGMD: prior to June 1st, 2018), and was therefore a candidate for classification through an automated scoring system. Utilizing variant allele frequency, disease prevalence and penetrance estimates, and inheritance mode, an automated score was calculated to assess if this variant is too frequent to cause the disease. Based on the score and internal cut-off values, a variant classified as benign is not then subjected to further curation. The score for this variant resulted in a classification of benign for this disease.